The following is an entry in ClinVar:

NM_001143854.2(RPH3A):c.284T>C (p.Val95Ala)

Gene: RPH3A (rabphilin 3A; plus strand). Cytogenetic location: 12q24.13.
Variant type: single nucleotide variant.
Coding change: c.284T>C on transcript NM_001143854.2 (MANE Select); coding-DNA position 284, T replaced by C.
Protein change: p.Val95Ala; replaces valine 95 with alanine.
Molecular consequence: missense variant. On other transcripts: non-coding transcript variant (2).
Genome position (GRCh38, 1-based): chr12:112,865,467, T>C. VCF-style: chr12-112865467-T-C. GRCh37 (hg19) VCF-style: chr12-113303272-T-C.
Other names: c.284T>C, p.Val95Ala (NM_001347952.2, NM_001347953.1, NM_001347954.2); c.83T>C, p.Val28Ala (NM_001347955.2); c.272T>C, p.Val91Ala (NM_014954.4); short protein forms V28A, V91A, V95A.
Identifiers: ClinVar variation 4983372 (VCV004983372.1).
Genomic context (GRCh38, chr12:112,865,467, plus strand): 5'-CTTCCAGACGCCTGGTGGACCGCCTAGAAAACATGAGGAAGAACGTGGCTGGAGATGGGG[T>C]GAACCGCTGCATACTGTGTGGAGAACAGCTGGGGATGCTGGGCTCTGCCTGTGTAGTATG-3'
Protein context (NP_001137326.1, residues 85-105): NMRKNVAGDG[Val95Ala]NRCILCGEQL

ClinVar aggregate classification (germline): Uncertain significance (1 of 4 stars; one submission).

Conditions:
RPH3A-related condition.

Submission:

PreventionGenetics, part of Exact Sciences
Classification: Uncertain significance for RPH3A-related condition. Last evaluated: 2025-10-30. Review status: criteria provided, single submitter. Criteria: ACMG Guidelines, 2015. Collection method: clinical testing. Allele origin: germline.
Comment: The RPH3A c.284T>C variant is predicted to result in the amino acid substitution p.Val95Ala. To our knowledge, this variant has not been reported in the literature or in a large population database (gnomAD), indicating this variant is rare. At this time, the clinical significance of this variant is uncertain due to the absence of conclusive functional and genetic evidence.